The following is an entry in ClinVar:

NM_001698.3(AUH):c.824C>T (p.Ala275Val)

Gene: AUH (AU RNA binding methylglutaconyl-CoA hydratase; minus strand). Cytogenetic location: 9q22.31.
Variant type: single nucleotide variant.
Coding change: c.824C>T on transcript NM_001698.3 (MANE Select); coding-DNA position 824, C replaced by T.
Protein change: p.Ala275Val; replaces alanine 275 with valine.
Molecular consequence: missense variant.
Genome position (GRCh38, 1-based): chr9:91,220,824, G>A on the plus strand (C>T on the coding strand, the complement: AUH is on the minus strand). VCF-style: chr9-91220824-G-A. GRCh37 (hg19) VCF-style: chr9-93983106-G-A.
Other names: p.A275V:GCG>GTG; p.Ala275Val; c.737C>T, p.Ala246Val (NM_001306190.2); c.497C>T, p.Ala166Val (NM_001351431.2, NM_001351432.2, NM_001351433.2); short protein forms A275V, A246V, A166V.
Identifiers: ClinVar variation 214149 (VCV000214149.20), dbSNP rs748318386, ClinGen allele CA320900.

ClinVar aggregate classification (germline): Conflicting classifications of pathogenicity. Review status: criteria provided, conflicting classifications (1 of 4 stars). 5 submissions from 5 submitters: Pathogenic (1); Likely pathogenic (3); Uncertain significance (1). Last evaluated 2025-06-04.

Conditions:
Inborn genetic diseases. Identifiers: MedGen C0950123, MeSH D030342.
3-methylglutaconic aciduria type 1 (MGCA1). Identifiers: Orphanet 67046, MedGen C0342727, MONDO:0009610, OMIM 250950.

Allele frequency attached by ClinVar (database versions not stated): TOPMed 0.00001; ExAC 0.00004; gnomAD exomes 0.00004.
gnomAD v4.1: 27 of 1,614,016 alleles (0.0017%); highest among the groups gnomAD compares: Admixed American, 0.017%; no homozygotes.

Submissions (5):

First Genomix Gene Laboratory, Genetic Diagnostics Department
Classification: Likely pathogenic for 3-methylglutaconic aciduria type 1. Last evaluated: 2025-06-04. Review status: criteria provided, single submitter. Criteria: ACMG Guidelines, 2015. Collection method: clinical testing. Allele origin: germline. Inheritance: Autosomal recessive inheritance. Affected: no. Observed: 1 variant allele.

Labcorp Genetics (formerly Invitae), Labcorp
Classification: Pathogenic for 3-methylglutaconic aciduria type 1. Last evaluated: 2024-06-10. Review status: criteria provided, single submitter. Criteria: Invitae Variant Classification Sherloc (09022015). Collection method: clinical testing. Allele origin: germline.
Comment: This sequence change replaces alanine, which is neutral and non-polar, with valine, which is neutral and non-polar, at codon 275 of the AUH protein (p.Ala275Val). This variant is present in population databases (rs748318386, gnomAD 0.03%). This missense change has been observed in individual(s) with clinical features of 3-methylglutaconic aciduria (Invitae). In at least one individual the data is consistent with being in trans (on the opposite chromosome) from a pathogenic variant. ClinVar contains an entry for this variant (Variation ID: 214149). Advanced modeling of protein sequence and biophysical properties (such as structural, functional, and spatial information, amino acid conservation, physicochemical variation, residue mobility, and thermodynamic stability) performed at Invitae indicates that this missense variant is not expected to disrupt AUH protein function with a negative predictive value of 80%. Algorithms developed to predict the effect of sequence changes on RNA splicing suggest that this variant may disrupt the consensus splice site. For these reasons, this variant has been classified as Pathogenic.

Mayo Clinic Laboratories, Mayo Clinic
Classification: Uncertain significance. Last evaluated: 2024-05-14. Review status: criteria provided, single submitter. Criteria: ACMG Guidelines, 2015. Collection method: clinical testing. Allele origin: germline. Observed: 4 variant alleles.
Comment: This variant has been reported in an infant with an inborn error of metabolism (PMID 32778825). However, no functional data supporting the pathogenicity of this variant was provided. This variant has been reported in ClinVar (Variation ID: 214149). The overall minor allele frequency for this variant (rs748318386) is approximately 0.0041%. An in silico tool predicts that this variant may impact RNA splicing. Taken together, evidence is not sufficient to determine whether this variant is benign or pathogenic. Therefore, this variant is classified as a variant of uncertain significance. Criteria applied: PP3, PM2_supporting (Richards 2015)

Ambry Genetics
Classification: Likely pathogenic for Inborn genetic diseases. Last evaluated: 2017-09-12. Review status: criteria provided, single submitter. Criteria: Ambry exome assertion method (8-5-2015). Collection method: clinical testing. Allele origin: germline. Affected: yes. Observed: 1 variant allele.

GeneDx
Classification: Likely pathogenic. Last evaluated: 2014-07-25. Review status: criteria provided, single submitter. Criteria: GeneDx Variant Classification (06012015). Collection method: clinical testing. Allele origin: germline. Affected: yes.
Comment: p.Ala275Val (GCG>GTG): c.824 C>T in exon 7 of the AUH gene (NM_001698.2). A c.824 C>T sequence change likely associated with 3-methylglutaconic aciduria type 1 was identified in the AUH gene. It has not been published as a mutation, nor has it been reported as a benign polymorphism to our knowledge. If the protein was transcribed normally, this would lead to the replacement of an Alanine codon (GCG) with a Valine codon (GTG) at amino acid position 275. However, the c.824 C>T nucleotide substitution most likely appears to result in an error in gene splicing. This substitution occurs 21 nucleotides upstream from the canonical GT splice donor site in intron 7. Multiple splice prediction models predict that this substitution creates a cryptic splice donor site that is stronger than the natural donor site. Use of the cryptic splice site is expected to lead to abnormal gene splicing which would be expected to create an abnormal message that is subject to nonsense-mediated mRNA decay, or to an abnormal protein product if the message is used for protein translation. Therefore, c.824 C>T is a strong candidate for a disease-causing mutation, however the possibility that it is a benign variant cannot be excluded. The variant is found in MGA-MITOP panel(s).

Literature cited by the submitters: PubMed 32778825 (cited by Mayo Clinic Laboratories, Mayo Clinic).